The following is an entry in ClinVar:

ClinVar aggregate classification (germline): Uncertain significance. Review status: criteria provided, multiple submitters, no conflicts (2 of 4 stars). 5 submissions from 4 submitters: Uncertain significance (5). Last evaluated 2024-03-21.

Conditions:
Emery-Dreifuss muscular dystrophy 4, autosomal dominant (EDMD4). Also called: EMERY-DREIFUSS MUSCULAR DYSTROPHY 4 WITH VARIABLE FEATURES. Identifiers: Orphanet 261, MedGen C2751807, MONDO:0013071, OMIM 612998.
Autosomal recessive ataxia, Beauce type. Also called: ATAXIA, RECESSIVE, OF BEAUCE; SYNE1 Deficiency; SYNE1-Related Autosomal Recessive Cerebellar Ataxia; Spinocerebellar ataxia, autosomal recessive 8. Identifiers: Orphanet 88644, MedGen C1853116, MONDO:0012549, OMIM 610743.

Allele frequency attached by ClinVar (database versions not stated): gnomAD exomes 0.00002 and 0.00003; TOPMed 0.00002; ExAC 0.00003; gnomAD 0.00004 and 0.00005; 1000 Genomes Project 0.00020; 1000 Genomes Project 30x 0.00031.
gnomAD v4.1: 38 of 1,612,524 alleles (0.0024%); highest among the groups gnomAD compares: Middle Eastern, 0.017%; 1 homozygote.

Submissions (5):

Revvity Omics, Revvity
Classification: Uncertain significance. Last evaluated: 2024-03-21. Review status: criteria provided, single submitter. Criteria: ACMG Guidelines, 2015. Collection method: clinical testing. Allele origin: germline.

Labcorp Genetics (formerly Invitae), Labcorp
Classification: Uncertain significance for Emery-Dreifuss muscular dystrophy 4, autosomal dominant; Autosomal recessive ataxia, Beauce type. Last evaluated: 2024-02-24. Review status: criteria provided, single submitter. Criteria: Invitae Variant Classification Sherloc (09022015). Collection method: clinical testing. Allele origin: germline.
Comment: This sequence change replaces valine, which is neutral and non-polar, with isoleucine, which is neutral and non-polar, at codon 6448 of the SYNE1 protein (p.Val6448Ile). This variant is present in population databases (rs563568189, gnomAD 0.01%). This variant has not been reported in the literature in individuals affected with SYNE1-related conditions. ClinVar contains an entry for this variant (Variation ID: 904254). Algorithms developed to predict the effect of missense changes on protein structure and function output the following: SIFT: "Not Available"; PolyPhen-2: "Benign"; Align-GVGD: "Not Available". The isoleucine amino acid residue is found in multiple mammalian species, which suggests that this missense change does not adversely affect protein function. In summary, the available evidence is currently insufficient to determine the role of this variant in disease. Therefore, it has been classified as a Variant of Uncertain Significance.

Athena Diagnostics
Classification: Uncertain significance. Last evaluated: 2022-06-28. Review status: criteria provided, single submitter. Criteria: Athena Diagnostics Criteria. Collection method: clinical testing. Allele origin: unknown.

Illumina Laboratory Services, Illumina
Classification: Uncertain significance for Emery-Dreifuss muscular dystrophy 4, autosomal dominant. Last evaluated: 2018-01-13. Review status: criteria provided, single submitter. Criteria: ICSL Variant Classification Criteria 13 December 2019. Collection method: clinical testing. Allele origin: germline.

Illumina Laboratory Services, Illumina
Classification: Uncertain significance for Autosomal recessive ataxia, Beauce type. Last evaluated: 2018-01-13. Review status: criteria provided, single submitter. Criteria: ICSL Variant Classification Criteria 13 December 2019. Collection method: clinical testing. Allele origin: germline.

NM_182961.4(SYNE1):c.19555G>A (p.Val6519Ile)

Gene: SYNE1 (spectrin repeat containing nuclear envelope protein 1; minus strand). Cytogenetic location: 6q25.2.
Variant type: single nucleotide variant.
Coding change: c.19555G>A on transcript NM_182961.4 (MANE Select); coding-DNA position 19555, G replaced by A.
Protein change: p.Val6519Ile; replaces valine 6519 with isoleucine.
Molecular consequence: missense variant.
Genome position (GRCh38, 1-based): chr6:152,249,178, C>T on the plus strand (G>A on the coding strand, the complement: SYNE1 is on the minus strand). VCF-style: chr6-152249178-C-T. GRCh37 (hg19) VCF-style: chr6-152570313-C-T.
Other names: c.19342G>A, p.Val6448Ile (NM_033071.5); short protein forms V6519I, V6448I.
Identifiers: ClinVar variation 904254 (VCV000904254.13), dbSNP rs563568189, ClinGen allele CA4054651.
Genomic context (GRCh38, chr6:152,249,178, plus strand): 5'-CCTCTATGCATTTTCTCTTCTAGGAAAAGGCAGCTATAAATACCTCTATTTGTTCTGCTA[C>T]GGGCTGTTCAAACACATTTGCCAGTTTTTGCAGAATGATGTATTTGTTGTCAGCCAGTGA-3'
Protein context (NP_892006.3, residues 6509-6529): QKLANVFEQP[Val6519Ile]AEQIEAIQQA